The following is an entry in ClinVar:

ClinVar aggregate classification (germline): Uncertain significance (1 of 4 stars; one submission).

gnomAD v4.1: 1 of 1,613,728 alleles (0.000062%); highest among the groups gnomAD compares: Admixed American, 0.0017%; no homozygotes.

Submission:

Labcorp Genetics (formerly Invitae), Labcorp
Classification: Uncertain significance. Last evaluated: 2024-05-04. Review status: criteria provided, single submitter. Criteria: Invitae Variant Classification Sherloc (09022015). Collection method: clinical testing. Allele origin: germline.
Comment: This sequence change replaces threonine, which is neutral and polar, with alanine, which is neutral and non-polar, at codon 95 of the LRRC8A protein (p.Thr95Ala). This variant is not present in population databases (gnomAD no frequency). This variant has not been reported in the literature in individuals affected with LRRC8A-related conditions. An algorithm developed to predict the effect of missense changes on protein structure and function (PolyPhen-2) suggests that this variant is likely to be tolerated. In summary, the available evidence is currently insufficient to determine the role of this variant in disease. Therefore, it has been classified as a Variant of Uncertain Significance.

NM_019594.4(LRRC8A):c.283A>G (p.Thr95Ala)

Gene: LRRC8A (leucine rich repeat containing 8 VRAC subunit A; plus strand). Cytogenetic location: 9q34.11.
Variant type: single nucleotide variant.
Coding change: c.283A>G on transcript NM_019594.4 (MANE Select); coding-DNA position 283, A replaced by G.
Protein change: p.Thr95Ala; replaces threonine 95 with alanine.
Molecular consequence: missense variant.
Genome position (GRCh38, 1-based): chr9:128,907,447, A>G. VCF-style: chr9-128907447-A-G. GRCh37 (hg19) VCF-style: chr9-131669726-A-G.
Other names: c.283A>G, p.Thr95Ala (NM_001127244.2, NM_001127245.2); short protein forms T95A.
Identifiers: ClinVar variation 3701101 (VCV003701101.2).